The following is an entry in ClinVar:

ClinVar aggregate classification (germline): Uncertain significance (1 of 4 stars; one submission).

Allele frequency attached by ClinVar (database versions not stated): ExAC 0.00002; TOPMed 0.00002; gnomAD exomes 0.00003; gnomAD 0.00005.
gnomAD v4.1: 45 of 1,611,864 alleles (0.0028%); highest among the groups gnomAD compares: African/African-American, 0.004%; no homozygotes.

Submission:

Labcorp Genetics (formerly Invitae), Labcorp
Classification: Uncertain significance. Last evaluated: 2022-10-04. Review status: criteria provided, single submitter. Criteria: Invitae Variant Classification Sherloc (09022015). Collection method: clinical testing. Allele origin: germline.
Comment: This sequence change replaces arginine, which is basic and polar, with cysteine, which is neutral and slightly polar, at codon 387 of the LIG1 protein (p.Arg387Cys). In summary, the available evidence is currently insufficient to determine the role of this variant in disease. Therefore, it has been classified as a Variant of Uncertain Significance. Algorithms developed to predict the effect of missense changes on protein structure and function (SIFT, PolyPhen-2, Align-GVGD) all suggest that this variant is likely to be disruptive. This variant has not been reported in the literature in individuals affected with LIG1-related conditions. This variant is present in population databases (rs749929415, gnomAD 0.004%).

NM_000234.3(LIG1):c.1159C>T (p.Arg387Cys)

Gene: LIG1 (DNA ligase 1; minus strand). Cytogenetic location: 19q13.33.
Variant type: single nucleotide variant.
Coding change: c.1159C>T on transcript NM_000234.3 (MANE Select); coding-DNA position 1159, C replaced by T.
Protein change: p.Arg387Cys; replaces arginine 387 with cysteine.
Molecular consequence: missense variant. On other transcripts: non-coding transcript variant (6).
Genome position (GRCh38, 1-based): chr19:48,137,617, G>A on the plus strand (C>T on the coding strand, the complement: LIG1 is on the minus strand). VCF-style: chr19-48137617-G-A. GRCh37 (hg19) VCF-style: chr19-48640874-G-A.
Other names: c.1066C>T, p.Arg356Cys (NM_001289063.2); c.955C>T, p.Arg319Cys (NM_001289064.2); c.1156C>T, p.Arg386Cys (NM_001320970.2); c.1069C>T, p.Arg357Cys (NM_001320971.2); short protein forms R356C, R319C, R357C, R386C, R387C.
Identifiers: ClinVar variation 1982011 (VCV001982011.3), dbSNP rs749929415, ClinGen allele CA9546935.